The following is an entry in ClinVar:

NM_013275.6(ANKRD11):c.3432G>A (p.Pro1144=)

Gene: ANKRD11 (ankyrin repeat domain 11; minus strand). Cytogenetic location: 16q24.3.
Variant type: single nucleotide variant.
Coding change: c.3432G>A on transcript NM_013275.6 (MANE Select); coding-DNA position 3432, G replaced by A.
Protein change: p.Pro1144=; no amino-acid change (proline 1144 retained).
Molecular consequence: synonymous variant.
Genome position (GRCh38, 1-based): chr16:89,283,110, C>T on the plus strand (G>A on the coding strand, the complement: ANKRD11 is on the minus strand). VCF-style: chr16-89283110-C-T. GRCh37 (hg19) VCF-style: chr16-89349518-C-T.
Other names: c.3432G>A, p.Pro1144= (NM_001256182.2, NM_001256183.2).
Identifiers: ClinVar variation 1731394 (VCV001731394.29), dbSNP rs749297010, ClinGen allele CA8242364.

ClinVar aggregate classification (germline): Benign/Likely benign. Review status: criteria provided, multiple submitters, no conflicts (2 of 4 stars). 3 submissions from 3 submitters: Benign (1); Likely benign (2). Last evaluated 2025-01-27.

Conditions:
KBG syndrome (KBGS). Also called: ANKRD11-Related KBG Syndrome. Identifiers: Orphanet 2332, MedGen C0220687, MONDO:0007846, OMIM 148050.
Inborn genetic diseases. Identifiers: MedGen C0950123, MeSH D030342.

Allele frequency attached by ClinVar (database versions not stated): gnomAD 0.00002; TOPMed 0.00003; gnomAD exomes 0.00005; ExAC 0.00016.
gnomAD v4.1: 80 of 1,613,976 alleles (0.005%); highest among the groups gnomAD compares: South Asian, 0.077%; no homozygotes.

Submissions (3):

Labcorp Genetics (formerly Invitae), Labcorp
Classification: Benign for KBG syndrome. Last evaluated: 2025-01-27. Review status: criteria provided, single submitter. Criteria: Invitae Variant Classification Sherloc (09022015). Collection method: clinical testing. Allele origin: germline.

CeGaT Center for Human Genetics Tuebingen
Classification: Likely benign. Last evaluated: 2024-05-01. Review status: criteria provided, single submitter. Criteria: CeGaT Center For Human Genetics Tuebingen Variant Classification Criteria Version 2. Collection method: clinical testing. Allele origin: germline. Affected: yes. Observed: 2 variant alleles.
Comment: ANKRD11: BP4, BP7

Ambry Genetics
Classification: Likely benign for Inborn genetic diseases. Last evaluated: 2018-12-03. Review status: criteria provided, single submitter. Criteria: Ambry Variant Classification Scheme 2023. Collection method: clinical testing. Allele origin: germline.